The following is an entry in ClinVar:

NM_001079872.2(CUL4B):c.197C>A (p.Ser66Tyr)

Genes: CUL4B (cullin 4B; minus strand), LOC113845788 (Sharpr-MPRA regulatory region 11856; plus strand). Cytogenetic location: Xq24.
Variant type: single nucleotide variant.
Coding change: c.197C>A on transcript NM_001079872.2 (MANE Select); coding-DNA position 197, C replaced by A.
Protein change: p.Ser66Tyr; replaces serine 66 with tyrosine.
Molecular consequence: missense variant.
Genome position (GRCh38, 1-based): chrX:120,560,442, G>T on the plus strand (C>A on the coding strand, the complement: CUL4B is on the minus strand). VCF-style: chrX-120560442-G-T. GRCh37 (hg19) VCF-style: chrX-119694297-G-T.
Other names: c.212C>A, p.Ser71Tyr (NM_001330624.2); c.251C>A, p.Ser84Tyr (NM_003588.4); short protein forms S66Y, S71Y, S84Y.
Identifiers: ClinVar variation 2637939 (VCV002637939.1), dbSNP rs2521200222, ClinGen allele CA414205932.

ClinVar aggregate classification (germline): Uncertain significance (1 of 4 stars; one submission).

Conditions:
X-linked intellectual disability Cabezas type (MRXSC). Also called: MENTAL RETARDATION, X-LINKED, SYNDROMIC 15; CABEZAS SYNDROME; Intellectual developmental disorder, X-linked syndromic, Cabezas type. Identifiers: Orphanet 85289, Orphanet 85293, MedGen C1845861, MONDO:0010306, OMIM 300354.

Submission:

Illumina Laboratory Services, Illumina
Classification: Uncertain significance for X-linked intellectual disability Cabezas type. Last evaluated: 2023-06-12. Review status: criteria provided, single submitter. Criteria: ICSLVariantClassificationCriteria RUGD 01 April 2020. Collection method: clinical testing. Allele origin: unknown.
Comment: The CUL4B c.248_251delinsTTTA, p.(Ser83_Ser84delinsPheTyr) in-frame deletion/insertion variant has not, to our knowledge, been reported in the peer-reviewed literature. This variant is not observed in version 2.1.1 or version 3.1.2 of the Genome Aggregation Database. Based on the available evidence, the c.248_251delinsTTTA, p.(Ser83_Ser84delinsPheTyr) variant is classified as a variant of uncertain significance for X-linked intellectual disability, Cabezas type.